The following is an entry in ClinVar:

ClinVar aggregate classification (germline): Uncertain significance (1 of 4 stars; one submission).

Submission:

Ambry Genetics
Classification: Uncertain significance. Last evaluated: 2025-09-10. Review status: criteria provided, single submitter. Criteria: Ambry Variant Classification Scheme 2023. Collection method: clinical testing. Allele origin: germline.
Comment: The p.G325E variant (also known as c.974G>A), located in coding exon 8 of the GEN1 gene, results from a G to A substitution at nucleotide position 974. The glycine at codon 325 is replaced by glutamic acid, an amino acid with similar properties. This amino acid position is conserved. In addition, this alteration is predicted to be tolerated by in silico analysis. Based on the available evidence, the clinical significance of this variant remains unclear.

NM_001130009.3(GEN1):c.974G>A (p.Gly325Glu)

Gene: GEN1 (GEN1 Holliday junction 5' flap endonuclease; plus strand). Cytogenetic location: 2p24.2.
Variant type: single nucleotide variant.
Coding change: c.974G>A on transcript NM_001130009.3 (MANE Select); coding-DNA position 974, G replaced by A.
Protein change: p.Gly325Glu; replaces glycine 325 with glutamic acid.
Molecular consequence: missense variant.
Genome position (GRCh38, 1-based): chr2:17,773,116, G>A. VCF-style: chr2-17773116-G-A. GRCh37 (hg19) VCF-style: chr2-17954383-G-A.
Other names: c.974G>A, p.Gly325Glu (NM_182625.5); short protein forms G325E.
Identifiers: ClinVar variation 4263133 (VCV004263133.1).